The following is an entry in ClinVar:

ClinVar aggregate classification (germline): Uncertain significance (1 of 4 stars; one submission).

Conditions:
TTN-related disorder. Also called: TTN-related disorders; TTN-related condition; TTN-related disease.

Submission:

PreventionGenetics, part of Exact Sciences
Classification: Uncertain significance for TTN-related condition. Last evaluated: 2025-04-23. Review status: criteria provided, single submitter. Criteria: ACMG Guidelines, 2015. Collection method: clinical testing. Allele origin: germline.
Comment: The TTN c.27974G>C variant is predicted to result in the amino acid substitution p.Ser9325Thr. To our knowledge, this variant has not been reported in the literature. This variant is reported in 0.00089% of alleles in individuals of European (Non-Finnish) descent in gnomAD. At this time, the clinical significance of this variant is uncertain due to the absence of conclusive functional and genetic evidence.

NM_001267550.2(TTN):c.27974G>C (p.Ser9325Thr)

Gene: TTN (titin; minus strand). Cytogenetic location: 2q31.2.
Variant type: single nucleotide variant.
Coding change: c.27974G>C on transcript NM_001267550.2 (MANE Select); coding-DNA position 27974, G replaced by C.
Protein change: p.Ser9325Thr; replaces serine 9325 with threonine.
Molecular consequence: missense variant. On other transcripts: intron variant (3).
Genome position (GRCh38, 1-based): chr2:178,711,262, C>G on the plus strand (G>C on the coding strand, the complement: TTN is on the minus strand). VCF-style: chr2-178711262-C-G. GRCh37 (hg19) VCF-style: chr2-179575989-C-G.
Other names: c.27023G>C, p.Ser9008Thr (NM_001256850.1); c.24242G>C, p.Ser8081Thr (NM_133378.4); c.13282+26820G>C (NM_003319.4); c.13858+26820G>C (NM_133437.4); c.13657+26820G>C (NM_133432.3); short protein forms S8081T, S9008T, S9325T.
Identifiers: ClinVar variation 4986654 (VCV004986654.1).